The following is an entry in ClinVar:

NM_198129.4(LAMA3):c.1035C>T (p.Ala345=)

Gene: LAMA3 (laminin subunit alpha 3; plus strand). Cytogenetic location: 18q11.2.
Variant type: single nucleotide variant.
Coding change: c.1035C>T on transcript NM_198129.4 (MANE Select); coding-DNA position 1035, C replaced by T.
Protein change: p.Ala345=; no amino-acid change (alanine 345 retained).
Molecular consequence: synonymous variant. On other transcripts: non-coding transcript variant (1).
Genome position (GRCh38, 1-based): chr18:23,758,483, C>T. VCF-style: chr18-23758483-C-T. GRCh37 (hg19) VCF-style: chr18-21338447-C-T.
Other names: c.1035C>T, p.Ala345= (NM_001127717.4, NM_001302996.2); c.1035C>T (NM_198129.2).
Identifiers: ClinVar variation 1126261 (VCV001126261.12), dbSNP rs200144011, ClinGen allele CA8914430.

ClinVar aggregate classification (germline): Likely benign. Review status: criteria provided, multiple submitters, no conflicts (2 of 4 stars). 3 submissions from 3 submitters: Likely benign (2). 1 of the submissions does not count toward it. Last evaluated 2024-09-09.

Conditions:
LAMA3-related disorder. Also called: LAMA3-related disorders; LAMA3-related condition.

Allele frequency attached by ClinVar (database versions not stated): ExAC 0.00007; ESP Exome Variant Server 0.00008; gnomAD 0.00009; TOPMed 0.00013.
gnomAD v4.1: 275 of 1,614,046 alleles (0.017%); highest among the groups gnomAD compares: Middle Eastern, 0.083%; no homozygotes.

Submissions (3):

Blueprint Genetics
Classification: Likely benign. Last evaluated: 2024-09-09. Review status: criteria provided, single submitter. Criteria: ACMG Guidelines, 2015. Collection method: clinical testing. Allele origin: germline.

Labcorp Genetics (formerly Invitae), Labcorp
Classification: Likely benign. Last evaluated: 2018-11-21. Review status: criteria provided, single submitter. Criteria: Invitae Variant Classification Sherloc (09022015). Collection method: clinical testing. Allele origin: germline.

PreventionGenetics, part of Exact Sciences
Classification: Likely benign for LAMA3-related condition. Last evaluated: 2019-11-25. Review status: no assertion criteria provided. Collection method: clinical testing. Allele origin: germline. Not counted in ClinVar's aggregate classification.
Comment: This variant is classified as likely benign based on ACMG/AMP sequence variant interpretation guidelines (Richards et al. 2015 PMID: 25741868, with internal and published modifications).